The following is an entry in ClinVar:

ClinVar aggregate classification (germline): Likely pathogenic (1 of 4 stars; one submission).

Conditions:
Autosomal dominant childhood-onset proximal spinal muscular atrophy without contractures. Also called: KUGELBERG-WELANDER SYNDROME, AUTOSOMAL DOMINANT; SPINAL MUSCULAR ATROPHY, JUVENILE, PROXIMAL, AUTOSOMAL DOMINANT; Spinal muscular atrophy, lower extremity-predominant 1, AD; SPINAL MUSCULAR ATROPHY, CHILDHOOD, PROXIMAL, AUTOSOMAL DOMINANT. Identifiers: Orphanet 209341, Orphanet 363447, MedGen C5780022, MONDO:0008026, OMIM 158600.

Submission:

Human Genetics Bochum, Ruhr University Bochum
Classification: Likely pathogenic for Autosomal dominant childhood-onset proximal spinal muscular atrophy without contractures. Last evaluated: 2026-05-15. Review status: criteria provided, single submitter. Criteria: ACMG Guidelines, 2015. Collection method: clinical testing. Allele origin: germline. Affected: yes.
Comment: de novo; ACMG criteria used to clasify this variant: PS2, PM1, PM2_SUP, PP2, PP3

NM_001376.5(DYNC1H1):c.3357A>T (p.Lys1119Asn)

Gene: DYNC1H1 (dynein cytoplasmic 1 heavy chain 1; plus strand). Cytogenetic location: 14q32.31.
Variant type: single nucleotide variant.
Coding change: c.3357A>T on transcript NM_001376.5 (MANE Select); coding-DNA position 3357, A replaced by T.
Protein change: p.Lys1119Asn; replaces lysine 1119 with asparagine.
Molecular consequence: missense variant.
Genome position (GRCh38, 1-based): chr14:101,995,009, A>T. VCF-style: chr14-101995009-A-T. GRCh37 (hg19) VCF-style: chr14-102461346-A-T.
Other names: short protein forms K1119N.
Identifiers: ClinVar variation 4876772 (VCV004876772.1).